The following is an entry in ClinVar:

NM_006922.4(SCN3A):c.5023T>C (p.Ser1675Pro)

Gene: SCN3A (sodium voltage-gated channel alpha subunit 3; minus strand). Cytogenetic location: 2q24.3.
Variant type: single nucleotide variant.
Coding change: c.5023T>C on transcript NM_006922.4 (MANE Select); coding-DNA position 5023, T replaced by C.
Protein change: p.Ser1675Pro; replaces serine 1675 with proline.
Molecular consequence: missense variant.
Genome position (GRCh38, 1-based): chr2:165,091,130, A>G on the plus strand (T>C on the coding strand, the complement: SCN3A is on the minus strand). VCF-style: chr2-165091130-A-G. GRCh37 (hg19) VCF-style: chr2-165947640-A-G.
Other names: c.4876T>C, p.Ser1626Pro (NM_001081676.2, NM_001081677.2); short protein forms S1626P, S1675P.
Identifiers: ClinVar variation 4530793 (VCV004530793.1).

ClinVar aggregate classification (germline): Uncertain significance (1 of 4 stars; one submission).

Submission:

GeneDx
Classification: Uncertain significance. Last evaluated: 2025-05-22. Review status: criteria provided, single submitter. Criteria: GeneDx Variant Classification Process June 2021. Collection method: clinical testing. Allele origin: germline. Affected: yes.
Comment: Not observed at significant frequency in large population cohorts (gnomAD); In silico analysis supports that this missense variant has a deleterious effect on protein structure/function; Has not been previously published as pathogenic or benign to our knowledge